The following is an entry in ClinVar:

NM_001401501.2(MUC16):c.38199C>T (p.Ser12733=)

Gene: MUC16 (mucin 16, cell surface associated; minus strand). Cytogenetic location: 19p13.2.
Variant type: single nucleotide variant.
Coding change: c.38199C>T on transcript NM_001401501.2 (MANE Select); coding-DNA position 38199, C replaced by T.
Protein change: p.Ser12733=; no amino-acid change (serine 12733 retained).
Molecular consequence: synonymous variant.
Genome position (GRCh38, 1-based): chr19:8,906,306, G>A on the plus strand (C>T on the coding strand, the complement: MUC16 is on the minus strand). VCF-style: chr19-8906306-G-A. GRCh37 (hg19) VCF-style: chr19-9016982-G-A.
Other names: c.38625C>T, p.Ser12875= (NM_001414686.1); c.38079C>T, p.Ser12693= (NM_001414687.1); c.38013C>T, p.Ser12671= (NM_024690.2).
Identifiers: ClinVar variation 2584726 (VCV002584726.3), dbSNP rs1238115346, ClinGen allele CA505285170.
Genomic context (GRCh38, chr19:8,906,306, plus strand): 5'-CAGCTCTTGCTCCACTTGATGTAGGATCAGGGGCATCTGGACATGAGTTGAATACTCACT[G>A]CTGCTGGTGGGCACAGGGATCCAATGGGTGAAACCTGCATAGAGAAGGAGGGAGGAGACT-3'
Protein context (NP_001388430.1, residues 12723-12743): FTHWIPVPTS[Ser12733=]TPGTSTVDLG

ClinVar aggregate classification (germline): Conflicting classifications of pathogenicity. Review status: no assertion criteria provided (0 of 4 stars). 2 submissions from 2 submitters: Likely pathogenic (1); Likely benign (1). Last evaluated 2019-09-26.

Conditions:
Ovarian cancer. Also called: OVARIAN CANCER, SOMATIC. Identifiers: Orphanet 213500, MedGen C1140680, MONDO:0008170, OMIM 167000.
MUC16-related disorder. Also called: MUC16-related condition.

Submissions (2):

PreventionGenetics, part of Exact Sciences
Classification: Likely benign for MUC16-related condition. Last evaluated: 2019-09-26. Review status: no assertion criteria provided. Collection method: clinical testing. Allele origin: germline.
Comment: This variant is classified as likely benign based on ACMG/AMP sequence variant interpretation guidelines (Richards et al. 2015 PMID: 25741868, with internal and published modifications).

Key Laboratory of Carcinogenesis and Cancer Invasion, Central South University
Classification: Likely pathogenic for ovarian cancer. Review status: no assertion criteria provided. Collection method: clinical testing. Allele origin: somatic.